The following is an entry in ClinVar:

NM_001211.6(BUB1B):c.2405C>T (p.Pro802Leu)

Gene: BUB1B (BUB1 mitotic checkpoint serine/threonine kinase B; plus strand). Cytogenetic location: 15q15.1.
Variant type: single nucleotide variant.
Coding change: c.2405C>T on transcript NM_001211.6 (MANE Select); coding-DNA position 2405, C replaced by T.
Protein change: p.Pro802Leu; replaces proline 802 with leucine.
Molecular consequence: missense variant.
Genome position (GRCh38, 1-based): chr15:40,212,518, C>T. VCF-style: chr15-40212518-C-T. GRCh37 (hg19) VCF-style: chr15-40504719-C-T.
Other names: short protein forms P802L.
Identifiers: ClinVar variation 238664 (VCV000238664.13), dbSNP rs878854277, ClinGen allele CA10583237.

ClinVar aggregate classification (germline): Uncertain significance. Review status: criteria provided, multiple submitters, no conflicts (2 of 4 stars). 2 submissions from 2 submitters: Uncertain significance (2). Last evaluated 2021-06-22.

Conditions:
Inborn genetic diseases. Identifiers: MedGen C0950123, MeSH D030342.
Mosaic variegated aneuploidy syndrome 1 (MVA1). Also called: Warburton-Anyane-Yeboa syndrome. Identifiers: Orphanet 1052, MedGen C1850343, MONDO:0009759, OMIM 257300.

Allele frequency attached by ClinVar (database versions not stated): TOPMed below 0.00001.

Submissions (2):

Ambry Genetics
Classification: Uncertain significance for Inborn genetic diseases. Last evaluated: 2021-06-22. Review status: criteria provided, single submitter. Criteria: Ambry Variant Classification Scheme 2023. Collection method: clinical testing. Allele origin: germline.
Comment: The p.P802L variant (also known as c.2405C>T), located in coding exon 19 of the BUB1B gene, results from a C to T substitution at nucleotide position 2405. The proline at codon 802 is replaced by leucine, an amino acid with similar properties. This amino acid position is conserved. In addition, this alteration is predicted to be tolerated by in silico analysis. Since supporting evidence is limited at this time, the clinical significance of this alteration remains unclear.

Labcorp Genetics (formerly Invitae), Labcorp
Classification: Uncertain significance for Mosaic variegated aneuploidy syndrome 1. Last evaluated: 2016-03-18. Review status: criteria provided, single submitter. Criteria: Invitae Variant Classification Sherloc (09022015). Collection method: clinical testing. Allele origin: germline.
Comment: Algorithms developed to predict the effect of missense changes on protein structure and function do not agree on the potential impact of this missense change (SIFT: "Tolerated"; PolyPhen-2: "Probably Damaging"; Align-GVGD: "Class C0"). In summary, this is a novel missense change with uncertain impact on protein function. It has been classified as a Variant of Uncertain Significance. This variant is not present in population databases (ExAC no frequency) and has not been reported in the literature in individuals with a BUB1B-related disease. This sequence change replaces proline with leucine at codon 802 of the BUB1B protein (p.Pro802Leu). The proline residue is moderately conserved and there is a moderate physicochemical difference between proline and leucine.